The following is an entry in ClinVar:

ClinVar aggregate classification (germline): Conflicting classifications of pathogenicity. Review status: criteria provided, conflicting classifications (1 of 4 stars). 4 submissions from 4 submitters: Uncertain significance (2); Likely benign (1). 1 of the submissions does not count toward it. Last evaluated 2026-01-27.

Conditions:
Susceptibility to severe COVID-19.
Encephalopathy, acute, infection-induced (herpes-specific), susceptibility to, 6. Also called: Herpes simplex encephalitis, susceptibility to, 4. Identifiers: Orphanet 1930, MedGen C3553869, MONDO:0013921, OMIM 614850.

Allele frequency attached by ClinVar (database versions not stated): 1000 Genomes Project 30x 0.00031; gnomAD exomes 0.00037 and 0.00044; gnomAD 0.00015 and 0.00009; 1000 Genomes Project 0.00040; ExAC 0.00034; TOPMed 0.00014; ESP Exome Variant Server 0.00031.
gnomAD v4.1: 662 of 1,613,866 alleles (0.041%); highest among the groups gnomAD compares: South Asian, 0.17%; 3 homozygotes.

Submissions (4):

Labcorp Genetics (formerly Invitae), Labcorp
Classification: Uncertain significance for Encephalopathy, acute, infection-induced (herpes-specific), susceptibility to, 6. Last evaluated: 2026-01-27. Review status: criteria provided, single submitter. Criteria: Invitae Variant Classification Sherloc (09022015). Collection method: clinical testing. Allele origin: germline.
Comment: This sequence change replaces glycine, which is neutral and non-polar, with arginine, which is basic and polar, at codon 592 of the TICAM1 protein (p.Gly592Arg). This variant is present in population databases (rs74359855, gnomAD 0.2%). This variant has not been reported in the literature in individuals affected with TICAM1-related conditions. ClinVar contains an entry for this variant (Variation ID: 651722). An algorithm developed to predict the effect of missense changes on protein structure and function outputs the following: PolyPhen-2: "Benign". The arginine amino acid residue is found in multiple mammalian species, which suggests that this missense change does not adversely affect protein function. In summary, the available evidence is currently insufficient to determine the role of this variant in disease. Therefore, it has been classified as a Variant of Uncertain Significance.

Blueprint Genetics
Classification: Likely benign. Last evaluated: 2024-08-26. Review status: criteria provided, single submitter. Criteria: ACMG Guidelines, 2015. Collection method: clinical testing. Allele origin: germline.

Ambry Genetics
Classification: Uncertain significance. Last evaluated: 2023-02-23. Review status: criteria provided, single submitter. Criteria: Ambry Variant Classification Scheme 2023. Collection method: clinical testing. Allele origin: germline.

Dubai Health Genomic Medicine Center, Dubai Health
Classification: Likely risk allele for Susceptibility to severe COVID-19. Last evaluated: 2022-07-01. Review status: no assertion criteria provided. Collection method: research. Allele origin: germline. Affected: yes. Not counted in ClinVar's aggregate classification.

NM_182919.4(TICAM1):c.1774G>A (p.Gly592Arg)

Gene: TICAM1 (TIR domain containing adaptor molecule 1; minus strand). Cytogenetic location: 19p13.3.
Variant type: single nucleotide variant.
Coding change: c.1774G>A on transcript NM_182919.4 (MANE Select); coding-DNA position 1774, G replaced by A.
Protein change: p.Gly592Arg; replaces glycine 592 with arginine.
Molecular consequence: missense variant.
Genome position (GRCh38, 1-based): chr19:4,816,604, C>T on the plus strand (G>A on the coding strand, the complement: TICAM1 is on the minus strand). VCF-style: chr19-4816604-C-T. GRCh37 (hg19) VCF-style: chr19-4816616-C-T.
Other names: c.1774G>A (NM_182919.2); c.1732G>A, p.Gly578Arg (NM_001385678.1); c.1639G>A, p.Gly547Arg (NM_001385679.1); c.1132G>A, p.Gly378Arg (NM_001385680.1); short protein forms G592R, G378R, G547R, G578R.
Identifiers: ClinVar variation 651722 (VCV000651722.15), dbSNP rs74359855, ClinGen allele CA9105074.